The following is an entry in ClinVar:

ClinVar aggregate classification (germline): Benign/Likely benign. Review status: criteria provided, multiple submitters, no conflicts (2 of 4 stars). 6 submissions from 6 submitters: Benign (2); Likely benign (4). Last evaluated 2026-09-09.

Conditions:
NF1-related disorder. Also called: NF1-related condition. Identifiers: MedGen CN379171.
Hereditary cancer-predisposing syndrome. Also called: Neoplastic Syndromes, Hereditary; Tumor predisposition; Hereditary Cancer Syndrome; Hereditary neoplastic syndrome. Identifiers: Orphanet 140162, MedGen C0027672, MeSH D009386, MONDO:0015356.
Neurofibromatosis, type 1 (NF1). Also called: NEUROFIBROMATOSIS, TYPE I, SOMATIC; Peripheral type neurofibromatosis; Neurofibromatosis, type I; VON RECKLINGHAUSEN DISEASE. Identifiers: Orphanet 636, MedGen C0027831, MONDO:0018975, OMIM 162200. Disease mechanism: loss of function.
Neurofibromatosis, familial spinal (FSNF). Identifiers: Orphanet 636, MedGen C1834235, MONDO:0008078, OMIM 162210. Disease mechanism: loss of function.
Juvenile myelomonocytic leukemia (JMML). Also called: LEUKEMIA, JUVENILE MYELOMONOCYTIC, SOMATIC. Identifiers: Orphanet 86834, MedGen C0349639, MONDO:0011908, OMIM 607785, HP:0012209.
Neurofibromatosis-Noonan syndrome (NFNS). Also called: NEUROFIBROMATOSIS WITH NOONAN PHENOTYPE. Identifiers: Orphanet 638, MedGen C2931482, MONDO:0011035, OMIM 601321. Disease mechanism: loss of function.
Café-au-lait macules with pulmonary stenosis (WTSN). Also called: PULMONIC STENOSIS WITH CAFE-AU-LAIT SPOTS. Identifiers: MedGen C0553586, MONDO:0008672, OMIM 193520.

Allele frequency attached by ClinVar (database versions not stated): gnomAD exomes 0.00001 and 0.00002; ExAC 0.00002; gnomAD 0.00005; TOPMed 0.00007; ESP Exome Variant Server 0.00008.
gnomAD v4.1: 16 of 1,613,908 alleles (0.00099%); highest among the groups gnomAD compares: African/African-American, 0.02%; no homozygotes.

Submissions (6):

PreventionGenetics, part of Exact Sciences
Classification: Likely benign for NF1-related condition. Last evaluated: 2026-09-09. Review status: criteria provided, single submitter. Criteria: ACMG Guidelines, 2015. Collection method: clinical testing. Allele origin: germline.
Comment: This variant is classified as likely benign based on ACMG/AMP sequence variant interpretation guidelines (Richards et al. 2015 PMID: 25741868, with internal and published modifications).

Myriad Genetics, Inc.
Classification: Benign for Neurofibromatosis, type 1. Last evaluated: 2026-05-20. Review status: criteria provided, single submitter. Criteria: Myriad Autosomal Dominant, Autosomal Recessive and X-Linked Classification Criteria (2023). Collection method: clinical testing. Allele origin: unknown.
Comment: This variant is considered benign. This variant is a silent/synonymous amino acid change and it is not expected to impact splicing.

Labcorp Genetics (formerly Invitae), Labcorp
Classification: Benign for Neurofibromatosis, type 1. Last evaluated: 2026-01-28. Review status: criteria provided, single submitter. Criteria: Invitae Variant Classification Sherloc (09022015). Collection method: clinical testing. Allele origin: germline.

Fulgent Genetics
Classification: Likely benign for Neurofibromatosis, type 1; Neurofibromatosis, familial spinal; Café-au-lait macules with pulmonary stenosis; Neurofibromatosis-Noonan syndrome; Juvenile myelomonocytic leukemia. Last evaluated: 2024-03-13. Review status: criteria provided, single submitter. Criteria: ACMG Guidelines, 2015. Collection method: clinical testing. Allele origin: germline.

Women's Health and Genetics/Laboratory Corporation of America, LabCorp
Classification: Likely benign. Last evaluated: 2021-03-06. Review status: criteria provided, single submitter. Criteria: LabCorp Variant Classification Summary - May 2015. Collection method: clinical testing. Allele origin: germline.

Ambry Genetics
Classification: Likely benign for Hereditary cancer-predisposing syndrome. Last evaluated: 2015-01-06. Review status: criteria provided, single submitter. Criteria: Ambry Autosomal Dominant and X-Linked criteria (10/2015). Collection method: clinical testing. Allele origin: germline. Observed: 1 variant allele.

Literature cited by the submitters: PubMed 10678181 (cited by Women's Health and Genetics/Laboratory Corporation of America, LabCorp); PubMed 23460398 (cited by Women's Health and Genetics/Laboratory Corporation of America, LabCorp); PubMed 29872168 (cited by Women's Health and Genetics/Laboratory Corporation of America, LabCorp); PubMed 27069254 (cited by Women's Health and Genetics/Laboratory Corporation of America, LabCorp).

NM_001042492.3(NF1):c.5523A>G (p.Gln1841=)

Gene: NF1 (neurofibromin 1; plus strand). Cytogenetic location: 17q11.2.
Variant type: single nucleotide variant.
Coding change: c.5523A>G on transcript NM_001042492.3 (MANE Select); coding-DNA position 5523, A replaced by G.
Protein change: p.Gln1841=; no amino-acid change (glutamine 1841 retained).
Molecular consequence: synonymous variant.
Genome position (GRCh38, 1-based): chr17:31,327,753, A>G. VCF-style: chr17-31327753-A-G. GRCh37 (hg19) VCF-style: chr17-29654771-A-G.
Other names: c.5460A>G, p.Gln1820= (NM_000267.4).
Identifiers: ClinVar variation 229853 (VCV000229853.14), dbSNP rs151046636, ClinGen allele CA8487186.